The following is an entry in ClinVar:

ClinVar aggregate classification (germline): Likely benign (1 of 4 stars; one submission).

Allele frequency attached by ClinVar (database versions not stated): gnomAD 0.00001; gnomAD exomes 0.00001; TOPMed 0.00001; 1000 Genomes Project 30x 0.00016.

Submission:

GeneDx
Classification: Likely benign. Last evaluated: 2017-08-23. Review status: criteria provided, single submitter. Criteria: GeneDx Variant Classification (06012015). Collection method: clinical testing. Allele origin: germline. Affected: yes.
Comment: This variant is considered likely benign or benign based on one or more of the following criteria: it is a conservative change, it occurs at a poorly conserved position in the protein, it is predicted to be benign by multiple in silico algorithms, and/or has population frequency not consistent with disease.

NM_002103.5(GYS1):c.2001G>A (p.Pro667=)

Gene: GYS1 (glycogen synthase 1; minus strand). Cytogenetic location: 19q13.33.
Variant type: single nucleotide variant.
Coding change: c.2001G>A on transcript NM_002103.5 (MANE Select); coding-DNA position 2001, G replaced by A.
Protein change: p.Pro667=; no amino-acid change (proline 667 retained).
Molecular consequence: synonymous variant. On other transcripts: non-coding transcript variant (1).
Genome position (GRCh38, 1-based): chr19:48,969,501, C>T on the plus strand (G>A on the coding strand, the complement: GYS1 is on the minus strand). VCF-style: chr19-48969501-C-T. GRCh37 (hg19) VCF-style: chr19-49472758-C-T.
Other names: c.1809G>A, p.Pro603= (NM_001161587.2).
Identifiers: ClinVar variation 511671 (VCV000511671.1), dbSNP rs1164592345, ClinGen allele CA508277081.
Genomic context (GRCh38, chr19:48,969,501, plus strand): 5'-GTTGCGCCGGTCCTTGGCGGCCTCCTCGTCCTCATCGTAGCGCTCGCCGTCTTCCTCCAG[C>T]GGCCCGTTCCGGGGATCCTCCTCGTCCTCACTCTGGTGCGGGCTGGAGTGTCGTGACAGC-3'
Protein context (NP_002094.2, residues 657-677): SEDEEDPRNG[Pro667=]LEEDGERYDE